The following is an entry in ClinVar:

ClinVar aggregate classification (germline): Conflicting classifications of pathogenicity. Review status: criteria provided, conflicting classifications (1 of 4 stars). 5 submissions from 5 submitters: Uncertain significance (4); Likely benign (1). Last evaluated 2024-12-12.

Conditions:
Marfan syndrome (MFS). Also called: Marfan syndrome, classic; Marfan syndrome type 1; Marfan's syndrome; FBN1-Related Marfan Syndrome; MARFAN SYNDROME, TYPE I. Identifiers: Orphanet 284963, Orphanet 558, MedGen C0024796, MONDO:0007947, OMIM 154700.
Weill-Marchesani syndrome 2, dominant. Also called: FBN1-Related Weill-Marchesani Syndrome; Weill-Marchesani Syndrome, Autosomal Dominant. Identifiers: Orphanet 2084, MedGen C1869115, MONDO:0012013, OMIM 608328.
Progeroid and marfanoid aspect-lipodystrophy syndrome. Also called: MARFANOID-PROGEROID SYNDROME; MARFAN-PROGEROID-LIPODYSTROPHY SYNDROME; Marfan lipodystrophy syndrome; MARFANOID-PROGEROID-LIPODYSTROPHY SYNDROME. Identifiers: Orphanet 300382, MedGen C4310796, MONDO:0014831, OMIM 616914.
Acromicric dysplasia (ACMICD). Also called: Acromicric skeletal dysplasia. Identifiers: Orphanet 969, MedGen C0265287, MONDO:0007055, OMIM 102370.
Ectopia lentis 1, isolated, autosomal dominant (ECTOL1). Identifiers: Orphanet 1885, MedGen C3541518, MONDO:0007514, OMIM 129600.
Geleophysic dysplasia 2 (GPHYSD2). Identifiers: Orphanet 2623, MedGen C3280054, MONDO:0013612, OMIM 614185.
MASS syndrome (OCTD). Also called: OVERLAP CONNECTIVE TISSUE DISEASE; MASS PHENOTYPE. Identifiers: MedGen C1858556, MONDO:0011431, OMIM 604308.
Stiff skin syndrome (SSKS). Identifiers: Orphanet 2833, MedGen C1861456, MONDO:0008492, OMIM 184900.
Familial thoracic aortic aneurysm and aortic dissection (TAAD). Also called: Thoracic aortic aneurysms and dissections. Identifiers: Orphanet 91387, MedGen C4707243, MONDO:0019625.

Allele frequency attached by ClinVar (database versions not stated): gnomAD exomes below 0.00001; TOPMed below 0.00001.

Submissions (5):

Labcorp Genetics (formerly Invitae), Labcorp
Classification: Likely benign for Marfan syndrome; Familial thoracic aortic aneurysm and aortic dissection. Last evaluated: 2024-12-12. Review status: criteria provided, single submitter. Criteria: Invitae Variant Classification Sherloc (09022015). Collection method: clinical testing. Allele origin: germline.

Color Diagnostics, LLC DBA Color Health
Classification: Uncertain significance for Familial thoracic aortic aneurysm and aortic dissection. Last evaluated: 2024-07-16. Review status: criteria provided, single submitter. Criteria: ACMG Guidelines, 2015. Collection method: clinical testing. Allele origin: germline.
Comment: This missense variant replaces methionine with isoleucine at codon 1384 of the FBN1 protein. Computational prediction tools indicate that this variant has a neutral impact on protein structure and function. To our knowledge, functional studies have not been reported for this variant. This variant has been reported in an individual affected with Marfan syndrome (PMID: 38958168). It has also been reported in an individual affected with idiopathic short stature (PMID: 37605180) and in an individual with a family history of skeletal disorder (PMID: 38978874). This variant has been identified in 1/251312 chromosomes in the general population by the Genome Aggregation Database (gnomAD). The available evidence is insufficient to determine the role of this variant in disease conclusively. Therefore, this variant is classified as a Variant of Uncertain Significance.

All of Us Research Program, National Institutes of Health
Classification: Uncertain significance for Marfan syndrome. Last evaluated: 2024-06-11. Review status: criteria provided, single submitter. Criteria: ACMG Guidelines, 2015. Collection method: clinical testing. Allele origin: germline. Inheritance: Autosomal dominant inheritance. Observed: 1 variant allele, 1 heterozygote.
Comment: This missense variant replaces methionine with isoleucine at codon 1384 of the FBN1 protein. Computational prediction suggests that this variant may not impact protein structure and function (internally defined REVEL score threshold <= 0.5, PMID: 27666373). To our knowledge, functional studies have not been reported for this variant. This variant has not been reported in individuals affected with cardiovascular disorders in the literature. This variant has been identified in 1/251312 chromosomes in the general population by the Genome Aggregation Database (gnomAD). The available evidence is insufficient to determine the role of this variant in disease conclusively. Therefore, this variant is classified as a Variant of Uncertain Significance.

This study involves interpretation of variants in research participants for the purpose of population health screening. Participant phenotype was not available at the time of variant classification. Additional details can be found in publication PMID: 35346344, PMCID: PMC8962531

GeneDx
Classification: Uncertain significance. Last evaluated: 2024-03-06. Review status: criteria provided, single submitter. Criteria: GeneDx Variant Classification Process June 2021. Collection method: clinical testing. Allele origin: germline. Affected: yes.
Comment: Observed in a child with short stature and delayed bone age (PMID: 37605180); Not observed at significant frequency in large population cohorts (gnomAD); Although located in a calcium-binding EGF-like domain of the FBN1 gene, it does not affect a cysteine residue within this domain; cysteine substitutions in the calcium-binding EGF-like domains represent the majority of pathogenic missense changes associated with FBN1-related disorders (PMID: 12938084); In silico analysis supports that this missense variant does not alter protein structure/function; This variant is associated with the following publications: (PMID: 12938084, 37605180)

Fulgent Genetics
Classification: Uncertain significance for Acromicric dysplasia; Ectopia lentis 1, isolated, autosomal dominant; Marfan syndrome; Stiff skin syndrome; MASS syndrome; Weill-Marchesani syndrome 2, dominant; Geleophysic dysplasia 2; Progeroid and marfanoid aspect-lipodystrophy syndrome. Last evaluated: 2022-04-22. Review status: criteria provided, single submitter. Criteria: ACMG Guidelines, 2015. Collection method: clinical testing. Allele origin: unknown.

Literature cited by the submitters: PubMed 37605180 (cited by Color Diagnostics, LLC DBA Color Health); PubMed 38958168 (cited by Color Diagnostics, LLC DBA Color Health); PubMed 38978874 (cited by Color Diagnostics, LLC DBA Color Health).

NM_000138.5(FBN1):c.4152G>A (p.Met1384Ile)

Gene: FBN1 (fibrillin 1; minus strand). Cytogenetic location: 15q21.1.
Variant type: single nucleotide variant.
Coding change: c.4152G>A on transcript NM_000138.5 (MANE Select); coding-DNA position 4152, G replaced by A.
Protein change: p.Met1384Ile; replaces methionine 1384 with isoleucine.
Molecular consequence: missense variant.
Genome position (GRCh38, 1-based): chr15:48,474,313, C>T on the plus strand (G>A on the coding strand, the complement: FBN1 is on the minus strand). VCF-style: chr15-48474313-C-T. GRCh37 (hg19) VCF-style: chr15-48766510-C-T.
Other names: short protein forms M1384I.
Identifiers: ClinVar variation 922913 (VCV000922913.12), dbSNP rs1488326228, ClinGen allele CA392320216.